The following is an entry in ClinVar:

ClinVar aggregate classification (germline): Pathogenic. Review status: reviewed by expert panel (3 of 4 stars). 24 submissions from 24 submitters: Pathogenic (1). 23 of the submissions do not count toward it. Last evaluated 2013-09-05.

Conditions:
Inherited MMR deficiency (Lynch syndrome).
Hereditary nonpolyposis colon cancer (HNPCC). Also called: Hereditary Nonpolyposis Colorectal Cancer Syndrome; Hereditary nonpolyposis colorectal cancer; Familial nonpolyposis colon cancer. Identifiers: Orphanet 443909, MedGen C1333990, MONDO:0018630. Disease mechanism: loss of function.
Hereditary nonpolyposis colorectal neoplasms. Identifiers: MedGen C0009405, MeSH D003123.
Hereditary cancer-predisposing syndrome. Also called: Hereditary Cancer Syndrome; Tumor predisposition; Neoplastic Syndromes, Hereditary; Hereditary neoplastic syndrome. Identifiers: Orphanet 140162, MedGen C0027672, MeSH D009386, MONDO:0015356.
Lynch syndrome. Identifiers: Orphanet 144, MedGen C4552100, MONDO:0005835. Disease mechanism: loss of function.
Lynch syndrome 5 (LYNCH5). Also called: Hereditary non-polyposis colorectal cancer, type 5; Colorectal cancer, hereditary nonpolyposis, type 5. Identifiers: Orphanet 144, MedGen C1833477, MONDO:0013710, OMIM 614350. Disease mechanism: loss of function.
Breast-ovarian cancer, familial, susceptibility to, 1 (BROVCA1). Also called: BRCA1 Hereditary Breast and Ovarian Cancer; OVARIAN CANCER, SUSCEPTIBILITY TO. Identifiers: Orphanet 145, MedGen C2676676, MONDO:0011450, OMIM 604370. Disease mechanism: loss of function.
Endometrial carcinoma. Also called: Endometrial carcinoma, somatic. Identifiers: MedGen C0476089, MONDO:0002447, OMIM 608089, HP:0012114.

Allele frequency attached by ClinVar (database versions not stated): gnomAD exomes below 0.00001; ExAC 0.00001.
gnomAD v4.1: 3 of 1,562,030 alleles (0.00019%); highest among the groups gnomAD compares: Non-Finnish European, 0.00026%; no homozygotes.

Submissions 1 to 11 of 24:

International Society for Gastrointestinal Hereditary Tumours (InSiGHT)
Classification: Pathogenic for Lynch Syndrome. Last evaluated: 2013-09-05. Review status: reviewed by expert panel. Criteria: Guidelines v1.9. Collection method: research. Allele origin: germline.
Comment: Coding sequence variation resulting in a stop codon

Classified with v1.9 guidelines

NHS Central & South Genomic Laboratory Hub
Classification: Pathogenic for Inherited MMR deficiency (Lynch syndrome). Last evaluated: 2026-10-06. Review status: criteria provided, single submitter. Criteria: ACMG Guidelines, 2015. Collection method: clinical testing. Allele origin: germline. Affected: yes. Not counted in ClinVar's aggregate classification.

Ambry Genetics
Classification: Pathogenic for Hereditary cancer-predisposing syndrome. Last evaluated: 2026-01-13. Review status: criteria provided, single submitter. Criteria: Ambry Variant Classification Scheme 2023. Collection method: clinical testing. Allele origin: germline. Not counted in ClinVar's aggregate classification.
Comment: The c.3013C>T (p.R1005*) alteration, located in exon 4 (coding exon 4) of the MSH6 gene, consists of a C to T substitution at nucleotide position 3013. This changes the amino acid from a arginine (R) to a stop codon at amino acid position 1005. This alteration is expected to result in loss of function by premature protein truncation or nonsense-mediated mRNA decay. Based on data from gnomAD, the T allele has an overall frequency of <0.001% (1/209220) total alleles studied. The highest observed frequency was 0.001% (1/99286) of European (non-Finnish) alleles. This variant has been identified in multiple individuals diagnosed with hereditary non-polyposis colon cancer (HNPCC)/Lynch syndrome (Plaschke, 2004; Castillejo, 2011; De Lellis, 2013; Adachi, 2017; Ker&auml;nen, 2018; Olkinuora, 2020; Ambry internal data). This variant has also been reported in an individual with constitutional mismatch repair deficiency (CMMRD) (Guerrini-Rousseau, 2019). Of note, this alteration is also designated as p.R1005X in published literature. Based on the available evidence, this alteration is classified as pathogenic.

Labcorp Genetics (formerly Invitae), Labcorp
Classification: Pathogenic for Hereditary nonpolyposis colorectal neoplasms. Last evaluated: 2025-12-24. Review status: criteria provided, single submitter. Criteria: Invitae Variant Classification Sherloc (09022015). Collection method: clinical testing. Allele origin: germline. Not counted in ClinVar's aggregate classification.
Comment: This sequence change creates a premature translational stop signal (p.Arg1005*) in the MSH6 gene. It is expected to result in an absent or disrupted protein product. Loss-of-function variants in MSH6 are known to be pathogenic (PMID: 18269114, 24362816). This variant is present in population databases (rs63750563, gnomAD 0.001%). This premature translational stop signal has been observed in individual(s) with colorectal cancer, endometrial cancer and suspected of having Lynch syndrome (PMID: 15483016, 21247423, 23544471, 26552419, 27928858, 28944238). Invitae Evidence Modeling of clinical and family history, age, sex, and reported ancestry of multiple individuals with this MSH6 variant has been performed. This variant is expected to be pathogenic with a positive predictive value of at least 99%. This is a validated machine learning model that incorporates the clinical features of 1,627,235 individuals referred to our laboratory for MSH6 testing. ClinVar contains an entry for this variant (Variation ID: 89330). For these reasons, this variant has been classified as Pathogenic.

Institute of Immunology and Genetics Kaiserslautern
Classification: Pathogenic for Breast-ovarian cancer, familial, susceptibility to, 1. Last evaluated: 2025-07-31. Review status: criteria provided, single submitter. Criteria: ACMG Guidelines, 2015. Collection method: clinical testing. Allele origin: germline. Affected: yes. Not counted in ClinVar's aggregate classification.
Comment: ACMG Criteria: PVS1, PM2, PP5_M.

CeGaT Center for Human Genetics Tuebingen
Classification: Pathogenic. Last evaluated: 2025-06-01. Review status: criteria provided, single submitter. Criteria: CeGaT Center For Human Genetics Tuebingen Variant Classification Criteria Version 2. Collection method: clinical testing. Allele origin: germline. Affected: yes. Observed: 3 variant alleles. Not counted in ClinVar's aggregate classification.
Comment: MSH6: PVS1, PM2, PS4:Moderate

Center for Genomic Medicine, Rigshospitalet, Copenhagen University Hospital
Classification: Pathogenic. Last evaluated: 2025-03-04. Review status: criteria provided, single submitter. Criteria: ACMG Guidelines, 2015. Collection method: clinical testing. Allele origin: germline. Not counted in ClinVar's aggregate classification.

Department of Clinical Genetics, Copenhagen University Hospital, Rigshospitalet
Classification: Pathogenic for Lynch syndrome. Last evaluated: 2025-02-04. Review status: criteria provided, single submitter. Criteria: ACMG Guidelines, 2015. Collection method: clinical testing. Allele origin: germline. Not counted in ClinVar's aggregate classification.
Comment: PVS1; PM2_SUP; PM3_SUP

GeneDx
Classification: Pathogenic. Last evaluated: 2024-06-14. Review status: criteria provided, single submitter. Criteria: GeneDx Variant Classification Process June 2021. Collection method: clinical testing. Allele origin: germline. Affected: yes. Not counted in ClinVar's aggregate classification.
Comment: Nonsense variant predicted to result in protein truncation or nonsense mediated decay in a gene for which loss of function is a known mechanism of disease; Observed in the heterozygous state in individuals with Lynch syndrome (PMID: 15483016, 21247423, 27928858); Observed with a pathogenic MSH6 variant in an individual with constitutional mismatch repair-deficiency (CMMR-D) (PMID: 29130549); Truncating variants in this gene are considered pathogenic by a well-established clinical consortium and/or database; Not observed at significant frequency in large population cohorts (gnomAD); This variant is associated with the following publications: (PMID: 21247423, 23544471, 37937776, 29130549, 29922827, 25525159, 15483016, 26203307, 26552419, 24278394, 27928858, 28944238, 33087929, 1958182, 32660107, 30572730, 32719484, 29625052, 36451132)

All of Us Research Program, National Institutes of Health
Classification: Pathogenic for Lynch syndrome. Last evaluated: 2024-01-04. Review status: criteria provided, single submitter. Criteria: ACMG Guidelines, 2015. Collection method: clinical testing. Allele origin: germline. Inheritance: Autosomal dominant inheritance. Observed: 1 variant allele, 1 heterozygote. Not counted in ClinVar's aggregate classification.
Comment: This variant is predicted to result in loss of protein function through nonsense-mediated or protein truncation. Loss of function is an established mechanism of disease. This variant has been reported in multiple individuals with MSH6-related cancer and in at least one individual with constitutional mismatch repair deficiency and a second MSH6 loss-of-function variant (PMID: 29130549, 27928858, 21247423). This variant is rare in large population databases, including the Genome Aggregation Database.

This study involves interpretation of variants in research participants for the purpose of population health screening. Participant phenotype was not available at the time of variant classification. Additional details can be found in publication PMID: 35346344, PMCID: PMC8962531

Myriad Genetics, Inc.
Classification: Pathogenic for Lynch syndrome 5. Last evaluated: 2023-08-21. Review status: criteria provided, single submitter. Criteria: Myriad Autosomal Dominant, Autosomal Recessive and X-Linked Classification Criteria (2023). Collection method: clinical testing. Allele origin: unknown. Not counted in ClinVar's aggregate classification.
Comment: This variant is considered pathogenic. This variant creates a termination codon and is predicted to result in premature protein truncation.

NM_000179.3(MSH6):c.3013C>T (p.Arg1005Ter)

Gene: MSH6 (mutS homolog 6; plus strand). Cytogenetic location: 2p16.3.
Variant type: single nucleotide variant.
Coding change: c.3013C>T on transcript NM_000179.3 (MANE Select); coding-DNA position 3013, C replaced by T.
Protein change: p.Arg1005Ter; replaces arginine 1005 with a stop codon.
Molecular consequence: nonsense.
Genome position (GRCh38, 1-based): chr2:47,800,996, C>T. VCF-style: chr2-47800996-C-T. GRCh37 (hg19) VCF-style: chr2-48028135-C-T.
Other names: c.2623C>T, p.Arg875Ter (NM_001281492.2); c.2107C>T, p.Arg703Ter (NM_001281493.2, NM_001281494.2); short protein forms R1005*, R703*, R875*.
Identifiers: ClinVar variation 89330 (VCV000089330.100), dbSNP rs63750563, ClinGen allele CA011340.
Genomic context (GRCh38, chr2:47,800,996, plus strand): 5'-TTCACCACTCGCAATTTGCCAGAAGAATACGAGTTGAAATCTACCAAGAAGGGCTGTAAA[C>T]GATACTGGACCAAAACTATTGAAAAGAAGTTGGCTAATCTCATAAATGCTGAAGAACGGA-3'